The following is an entry in ClinVar:

NM_001164508.2(NEB):c.1529_1533del (p.Val510fs)

Gene: NEB (nebulin; minus strand). Cytogenetic location: 2q23.3.
Variant type: Deletion.
Coding change: c.1529_1533del on transcript NM_001164508.2 (MANE Select); coding-DNA positions 1529 to 1533, 5 bases deleted (TTCTG; older notation c.1529_1533delTTCTG).
Protein change: p.Val510fs; shifts the reading frame from valine 510.
Molecular consequence: frameshift variant.
Genome position (GRCh38, 1-based): chr2:151,696,673-151,696,677, CAGAA deleted on the plus strand (TTCTG on the coding strand, the reverse complement: NEB is on the minus strand); deleting any 5 consecutive bases within chr2:151,696,673-151,696,680 gives the same sequence; the c. name uses the placement nearest the transcript's 3' end. VCF-style (leftmost placement, unchanged base first): chr2-151696672-GCAGAA-G. GRCh37 (hg19) VCF-style: chr2-152553186-GCAGAA-G.
Other names: c.1529_1533del, p.Val510fs (NM_001164507.2, NM_001271208.2, NM_004543.5); short protein forms V510fs.
Identifiers: ClinVar variation 943455 (VCV000943455.7), dbSNP rs2099599008, ClinGen allele CA1139657264.

ClinVar aggregate classification (germline): Pathogenic (1 of 4 stars; one submission).

Conditions:
Nemaline myopathy 2 (NEM2). Also called: Nemaline myopathy 2, autosomal recessive. Identifiers: MedGen C1850569, MONDO:0009725, OMIM 256030.

Submission:

Labcorp Genetics (formerly Invitae), Labcorp
Classification: Pathogenic for Nemaline myopathy 2. Last evaluated: 2019-08-18. Review status: criteria provided, single submitter. Criteria: Invitae Variant Classification Sherloc (09022015). Collection method: clinical testing. Allele origin: germline.
Comment: For these reasons, this variant has been classified as Pathogenic. Loss-of-function variants in NEB are known to be pathogenic (PMID: 25205138). This variant has not been reported in the literature in individuals with NEB-related conditions. This variant is not present in population databases (ExAC no frequency). This sequence change creates a premature translational stop signal (p.Val510Alafs*12) in the NEB gene. It is expected to result in an absent or disrupted protein product.

Literature cited by the submitters: PubMed 25205138.